The following is an entry in ClinVar:

ClinVar aggregate classification (germline): Uncertain significance (1 of 4 stars; one submission).

Submission:

Labcorp Genetics (formerly Invitae), Labcorp
Classification: Uncertain significance for Ehlers-Danlos syndrome progeroid type. Last evaluated: 2024-04-23. Review status: criteria provided, single submitter. Criteria: Invitae Variant Classification Sherloc (09022015). Collection method: clinical testing. Allele origin: germline.
Comment: This sequence change replaces histidine, which is basic and polar, with arginine, which is basic and polar, at codon 114 of the B4GALT7 protein (p.His114Arg). This variant is present in population databases (rs201730170, gnomAD 0.0009%). This variant has not been reported in the literature in individuals affected with B4GALT7-related conditions. Advanced modeling of protein sequence and biophysical properties (such as structural, functional, and spatial information, amino acid conservation, physicochemical variation, residue mobility, and thermodynamic stability) performed at Invitae indicates that this missense variant is not expected to disrupt B4GALT7 protein function with a negative predictive value of 80%. In summary, the available evidence is currently insufficient to determine the role of this variant in disease. Therefore, it has been classified as a Variant of Uncertain Significance.

NM_007255.3(B4GALT7):c.341A>G (p.His114Arg)

Gene: B4GALT7 (beta-1,4-galactosyltransferase 7; plus strand). Cytogenetic location: 5q35.3.
Variant type: single nucleotide variant.
Coding change: c.341A>G on transcript NM_007255.3 (MANE Select); coding-DNA position 341, A replaced by G.
Protein change: p.His114Arg; replaces histidine 114 with arginine.
Molecular consequence: missense variant.
Genome position (GRCh38, 1-based): chr5:177,604,469, A>G. VCF-style: chr5-177604469-A-G. GRCh37 (hg19) VCF-style: chr5-177031470-A-G.
Other names: short protein forms H114R.
Identifiers: ClinVar variation 3622463 (VCV003622463.1).
Genomic context (GRCh38, chr5:177,604,469, plus strand): 5'-GCCTGGCAGTGCTGGTGCCCTTCCGCGAACGCTTCGAGGAGCTCCTGGTCTTCGTGCCCC[A>G]CATGCGCCGCTTCCTGAGCAGGAAGAAGATCCGGCACCACATCTACGTGCTCAACCAGGT-3'
Protein context (NP_009186.1, residues 104-124): RFEELLVFVP[His114Arg]MRRFLSRKKI